The following is an entry in ClinVar:

ClinVar aggregate classification (germline): Uncertain significance. Review status: criteria provided, multiple submitters, no conflicts (2 of 4 stars). 2 submissions from 2 submitters: Uncertain significance (2). Last evaluated 2020-09-14.

Conditions:
Primary ciliary dyskinesia 23 (CILD23). Also called: CILIARY DYSKINESIA, PRIMARY, 23, WITH OR WITHOUT SITUS INVERSUS. Identifiers: Orphanet 244, MedGen C3809548, MONDO:0014193, OMIM 615451.

Allele frequency attached by ClinVar (database versions not stated): gnomAD exomes 0.00010; gnomAD 0.00038; 1000 Genomes Project 30x 0.00125; ExAC 0.00049; 1000 Genomes Project 0.00100.

Submissions (2):

Labcorp Genetics (formerly Invitae), Labcorp
Classification: Uncertain significance for Primary ciliary dyskinesia 23. Last evaluated: 2020-09-14. Review status: criteria provided, single submitter. Criteria: Invitae Variant Classification Sherloc (09022015). Collection method: clinical testing. Allele origin: germline.
Comment: In summary, the available evidence is currently insufficient to determine the role of this variant in disease. Therefore, it has been classified as a Variant of Uncertain Significance. Algorithms developed to predict the effect of sequence changes on RNA splicing suggest that this variant may create or strengthen a splice site, but this prediction has not been confirmed by published transcriptional studies. This variant has not been reported in the literature in individuals with ARMC4-related disease. ClinVar contains an entry for this variant (Variation ID: 412243). Algorithms developed to predict the effect of missense changes on protein structure and function output the following: SIFT: "Tolerated"; PolyPhen-2: "Benign"; Align-GVGD: "Class C0". The arginine amino acid residue is found in multiple mammalian species, suggesting that this missense change does not adversely affect protein function. These predictions have not been confirmed by published functional studies and their clinical significance is uncertain. The frequency data for this variant in the population databases is considered unreliable, as metrics indicate poor data quality at this position in the ExAC database. This sequence change replaces glycine with arginine at codon 407 of the ARMC4 protein (p.Gly407Arg). The glycine residue is weakly conserved and there is a moderate physicochemical difference between glycine and arginine.

Breakthrough Genomics
Classification: Uncertain significance. Review status: criteria provided, single submitter. Criteria: ACMG Guidelines, 2015. Collection method: not provided. Allele origin: germline. Inheritance: Autosomal recessive inheritance. Affected: yes.

NM_018076.5(ODAD2):c.1219G>A (p.Gly407Arg)

Gene: ODAD2 (outer dynein arm docking complex subunit 2; minus strand). Cytogenetic location: 10p12.1.
Variant type: single nucleotide variant.
Coding change: c.1219G>A on transcript NM_018076.5 (MANE Select); coding-DNA position 1219, G replaced by A.
Protein change: p.Gly407Arg; replaces glycine 407 with arginine.
Molecular consequence: missense variant. On other transcripts: intron variant (1).
Genome position (GRCh38, 1-based): chr10:27,968,942, C>T on the plus strand (G>A on the coding strand, the complement: ODAD2 is on the minus strand). VCF-style: chr10-27968942-C-T. GRCh37 (hg19) VCF-style: chr10-28257871-C-T.
Other names: c.1219G>A, p.Gly407Arg (NM_001290020.2); c.295G>A, p.Gly99Arg (NM_001312689.2); c.-187-7227G>A (NM_001290021.2); short protein forms G407R, G99R.
Identifiers: ClinVar variation 412243 (VCV000412243.12), dbSNP rs552527338, ClinGen allele CA5453620.
Genomic context (GRCh38, chr10:27,968,942, plus strand): 5'-GGGTGGCTTTAGGGAACTCGTCTTGCTGACCAGAAACATACCGAAGTAATTGTGCTCTTC[C>T]GTGTGAAACAGATGGTCTTGGTTTTTCAAGTTTTCCTGTGTGTTTGTCCTCTTGGATTTC-3'
Protein context (NP_060546.2, residues 397-417): LEKPRPSVSH[Gly407Arg]RAQLLRKSAE